The following is an entry in ClinVar:

NM_032409.3(PINK1):c.413C>A (p.Pro138Gln)

Gene: PINK1 (PTEN induced kinase 1; plus strand). Cytogenetic location: 1p36.12.
Variant type: single nucleotide variant.
Coding change: c.413C>A on transcript NM_032409.3 (MANE Select); coding-DNA position 413, C replaced by A.
Protein change: p.Pro138Gln; replaces proline 138 with glutamine.
Molecular consequence: missense variant.
Genome position (GRCh38, 1-based): chr1:20,637,867, C>A. VCF-style: chr1-20637867-C-A. GRCh37 (hg19) VCF-style: chr1-20964360-C-A.
Other names: short protein forms P138Q.
Identifiers: ClinVar variation 2731770 (VCV002731770.3), dbSNP rs781745700, ClinGen allele CA660418.
Genomic context (GRCh38, chr1:20,637,867, plus strand): 5'-TCCCTGGCTCACGGTGCATTCTTTTCTCATCACAGGCAATTTTTACCCAGAAAAGCAAGC[C>A]GGGGCCTGACCCGTTGGACACGAGACGCTTGCAGGGCTTTCGGCTGGAGGAGTATCTGAT-3'
Protein context (NP_115785.1, residues 128-148): IQAIFTQKSK[Pro138Gln]GPDPLDTRRL

ClinVar aggregate classification (germline): Uncertain significance (1 of 4 stars; one submission).

Conditions:
Autosomal recessive early-onset Parkinson disease 6 (PARK6). Also called: PARKINSON DISEASE 6, MODIFIER OF; PINK1-Related Parkinson Disease; PINK1 Type of Young-Onset Parkinson Disease; PARKINSON DISEASE 6, EARLY-ONSET. Identifiers: Orphanet 2828, MedGen C1853833, MONDO:0011613, OMIM 605909.

Submission:

Labcorp Genetics (formerly Invitae), Labcorp
Classification: Uncertain significance for Autosomal recessive early-onset Parkinson disease 6. Last evaluated: 2025-05-05. Review status: criteria provided, single submitter. Criteria: Invitae Variant Classification Sherloc (09022015). Collection method: clinical testing. Allele origin: germline.
Comment: This sequence change replaces proline, which is neutral and non-polar, with glutamine, which is neutral and polar, at codon 138 of the PINK1 protein (p.Pro138Gln). The frequency data for this variant in the population databases is considered unreliable, as metrics indicate poor data quality at this position in the gnomAD database. This variant has not been reported in the literature in individuals affected with PINK1-related conditions. ClinVar contains an entry for this variant (Variation ID: 2731770). Invitae Evidence Modeling of protein sequence and biophysical properties (such as structural, functional, and spatial information, amino acid conservation, physicochemical variation, residue mobility, and thermodynamic stability) indicates that this missense variant is not expected to disrupt PINK1 protein function with a negative predictive value of 95%. In summary, the available evidence is currently insufficient to determine the role of this variant in disease. Therefore, it has been classified as a Variant of Uncertain Significance.